The following is an entry in ClinVar:

NM_001370259.2(MEN1):c.107T>C (p.Leu36Pro)

Gene: MEN1 (menin 1; minus strand). Cytogenetic location: 11q13.1.
Variant type: single nucleotide variant.
Coding change: c.107T>C on transcript NM_001370259.2 (MANE Select); coding-DNA position 107, T replaced by C.
Protein change: p.Leu36Pro; replaces leucine 36 with proline.
Molecular consequence: missense variant. On other transcripts: non-coding transcript variant (4).
Genome position (GRCh38, 1-based): chr11:64,810,003, A>G on the plus strand (T>C on the coding strand, the complement: MEN1 is on the minus strand). VCF-style: chr11-64810003-A-G. GRCh37 (hg19) VCF-style: chr11-64577475-A-G.
Other names: c.107T>C, p.Leu36Pro (NM_001407148.1, NM_001407149.1, NM_001407150.1 and 20 more transcripts); short protein forms L36P.
Identifiers: ClinVar variation 4106549 (VCV004106549.2).
Genomic context (GRCh38, chr11:64,810,003, plus strand): 5'-GTAGGGATGACGCGGTTGACAGCCAGAAAATGCTCCACGAAGCCCAGCACCAAGGAAAGG[A>G]GCACCAGGTCCGGCTCCTCTCGGCCCAGCTCGGCAGCAAACAGGCGCACCACGTCGTCGA-3'
Protein context (NP_001357188.2, residues 26-46): ELGREEPDLV[Leu36Pro]LSLVLGFVEH

ClinVar aggregate classification (germline): Uncertain significance (1 of 4 stars; one submission).

Conditions:
Hereditary cancer-predisposing syndrome. Also called: Neoplastic Syndromes, Hereditary; Tumor predisposition; Hereditary Cancer Syndrome; Hereditary neoplastic syndrome. Identifiers: Orphanet 140162, MedGen C0027672, MeSH D009386, MONDO:0015356.

Submission:

Ambry Genetics
Classification: Uncertain significance for Hereditary cancer-predisposing syndrome. Last evaluated: 2026-04-23. Review status: criteria provided, single submitter. Criteria: Ambry Variant Classification Scheme 2023. Collection method: clinical testing. Allele origin: germline.
Comment: The p.L36P variant (also known as c.107T>C), located in coding exon 1 of the MEN1 gene, results from a T to C substitution at nucleotide position 107. The leucine at codon 36 is replaced by proline, an amino acid with similar properties. This amino acid position is conserved. In addition, this alteration is predicted to be deleterious by in silico analysis. Based on the available evidence, the clinical significance of this variant remains unclear.